The following is an entry in ClinVar:

ClinVar aggregate classification (germline): Benign/Likely benign. Review status: criteria provided, multiple submitters, no conflicts (2 of 4 stars). 6 submissions from 6 submitters: Benign (2); Likely benign (3). 1 of the submissions does not count toward it. Last evaluated 2026-07-07.

Conditions:
SMARCA4-related disorder. Also called: SMARCA4-related condition.
Rhabdoid tumor predisposition syndrome 2 (RTPS2). Identifiers: Orphanet 231108, Orphanet 69077, MedGen C2750074, MONDO:0013224, OMIM 613325.
Hereditary cancer-predisposing syndrome. Also called: Hereditary Cancer Syndrome; Hereditary neoplastic syndrome; Neoplastic Syndromes, Hereditary; Tumor predisposition. Identifiers: Orphanet 140162, MedGen C0027672, MeSH D009386, MONDO:0015356.

Allele frequency attached by ClinVar (database versions not stated): 1000 Genomes Project 0.00020; gnomAD exomes 0.00008 and 0.00005; ExAC 0.00007; ESP Exome Variant Server 0.00008; TOPMed 0.00005; gnomAD 0.00010; 1000 Genomes Project 30x 0.00016.
gnomAD v4.1: 96 of 1,608,820 alleles (0.006%); highest among the groups gnomAD compares: South Asian, 0.024%; no homozygotes.

Submissions (6):

Myriad Genetics, Inc.
Classification: Likely benign for Rhabdoid tumor predisposition syndrome 2. Last evaluated: 2026-07-07. Review status: criteria provided, single submitter. Criteria: Myriad Autosomal Dominant, Autosomal Recessive and X-Linked Classification Criteria (2023). Collection method: clinical testing. Allele origin: unknown.
Comment: This variant is considered likely benign. This variant is intronic and is not expected to impact mRNA splicing.

Labcorp Genetics (formerly Invitae), Labcorp
Classification: Benign for Rhabdoid tumor predisposition syndrome 2. Last evaluated: 2026-01-26. Review status: criteria provided, single submitter. Criteria: Invitae Variant Classification Sherloc (09022015). Collection method: clinical testing. Allele origin: germline.

Blueprint Genetics
Classification: Likely benign. Last evaluated: 2024-10-18. Review status: criteria provided, single submitter. Criteria: ACMG Guidelines, 2015. Collection method: clinical testing. Allele origin: germline.

Quest Diagnostics Nichols Institute San Juan Capistrano
Classification: Benign. Last evaluated: 2023-01-05. Review status: criteria provided, single submitter. Criteria: Quest Diagnostics criteria. Collection method: clinical testing. Allele origin: unknown.

Sema4
Classification: Likely benign for Hereditary cancer-predisposing syndrome. Last evaluated: 2021-04-04. Review status: criteria provided, single submitter. Criteria: Sema4 Curation Guidelines. Collection method: curation. Allele origin: germline.

PreventionGenetics, part of Exact Sciences
Classification: Likely benign for SMARCA4-related condition. Last evaluated: 2019-05-30. Review status: no assertion criteria provided. Collection method: clinical testing. Allele origin: germline. Not counted in ClinVar's aggregate classification.
Comment: This variant is classified as likely benign based on ACMG/AMP sequence variant interpretation guidelines (Richards et al. 2015 PMID: 25741868, with internal and published modifications).

NM_003072.5(SMARCA4):c.3168+9G>A

Gene: SMARCA4 (SWI/SNF related BAF chromatin remodeling complex subunit ATPase 4; plus strand). Cytogenetic location: 19p13.2.
Variant type: single nucleotide variant.
Coding change: c.3168+9G>A on transcript NM_003072.5 (MANE Select); 9 bases into the intron after coding-DNA position 3168, G replaced by A.
Molecular consequence: intron variant.
Genome position (GRCh38, 1-based): chr19:11,025,517, G>A. VCF-style: chr19-11025517-G-A. GRCh37 (hg19) VCF-style: chr19-11136193-G-A.
Other names: c.3168+9G>A (NM_001128844.3, NM_001128849.3, NM_001128847.4 and 5 more transcripts).
Identifiers: ClinVar variation 415140 (VCV000415140.17), dbSNP rs369201773, ClinGen allele CA9204332.
Genomic context (GRCh38, chr19:11,025,517, plus strand): 5'-CATGCAGCTGCGGAAGATCTGCAACCACCCCTACATGTTCCAGCACATCGAGGTGAGCCC[G>A]CCGCGGCTGGGACGGCTCAGGCCCTGCTGTCTGCTGAGCTCCTAGGCAGAGCTGGCTTCT-3'